The following is an entry in ClinVar:

NM_005629.4(SLC6A8):c.127C>T (p.Pro43Ser)

Gene: SLC6A8 (solute carrier family 6 member 8; plus strand). Cytogenetic location: Xq28.
Variant type: single nucleotide variant.
Coding change: c.127C>T on transcript NM_005629.4 (MANE Select); coding-DNA position 127, C replaced by T.
Protein change: p.Pro43Ser; replaces proline 43 with serine.
Molecular consequence: missense variant.
Genome position (GRCh38, 1-based): chrX:153,688,701, C>T. VCF-style: chrX-153688701-C-T. GRCh37 (hg19) VCF-style: chrX-152954156-C-T.
Other names: c.127C>T, p.Pro43Ser (NM_001142805.2); short protein forms P43S.
Identifiers: ClinVar variation 1304267 (VCV001304267.6), dbSNP rs1185738875, ClinGen allele CA415076372.

ClinVar aggregate classification (germline): Uncertain significance. Review status: criteria provided, multiple submitters, no conflicts (2 of 4 stars). 2 submissions from 2 submitters: Uncertain significance (2). Last evaluated 2025-10-14.

Conditions:
Creatine transporter deficiency (CCDS1). Also called: Creatine Transporter (CRTR) Deficiency; Mental retardation , X-linked with seizures, short stature and midface hypoplasia; Mental retardation , X-linked, with creatine transport deficiency; X-linked creatine transporter deficiency; X-linked creatine deficiency syndrome; CEREBRAL CREATINE DEFICIENCY SYNDROME 1. Identifiers: Orphanet 52503, MedGen C1845862, MONDO:0010305, OMIM 300352.

Allele frequency attached by ClinVar (database versions not stated): gnomAD 0.00001; gnomAD exomes 0.00001.
gnomAD v4.1: 4 of 1,122,406 alleles (0.00036%); highest among the groups gnomAD compares: South Asian, 0.0041%; no homozygotes.

Submissions (2):

Labcorp Genetics (formerly Invitae), Labcorp
Classification: Uncertain significance for Creatine transporter deficiency. Last evaluated: 2025-10-14. Review status: criteria provided, single submitter. Criteria: Invitae Variant Classification Sherloc (09022015). Collection method: clinical testing. Allele origin: germline.
Comment: This sequence change replaces proline, which is neutral and non-polar, with serine, which is neutral and polar, at codon 43 of the SLC6A8 protein (p.Pro43Ser). This variant is present in population databases (no rsID available, gnomAD 0.008%). This variant has not been reported in the literature in individuals affected with SLC6A8-related conditions. ClinVar contains an entry for this variant (Variation ID: 1304267). Invitae Evidence Modeling of protein sequence and biophysical properties (such as structural, functional, and spatial information, amino acid conservation, physicochemical variation, residue mobility, and thermodynamic stability) indicates that this missense variant is not expected to disrupt SLC6A8 protein function with a negative predictive value of 95%. In summary, the available evidence is currently insufficient to determine the role of this variant in disease. Therefore, it has been classified as a Variant of Uncertain Significance.

GeneDx
Classification: Uncertain significance. Last evaluated: 2025-10-01. Review status: criteria provided, single submitter. Criteria: GeneDx Variant Classification Process June 2021. Collection method: clinical testing. Allele origin: germline. Affected: yes.
Comment: Not observed at significant frequency in large population cohorts (gnomAD); In silico analysis suggests that this missense variant does not alter protein structure/function; Has not been previously published as pathogenic or benign to our knowledge